The following is an entry in ClinVar:

ClinVar aggregate classification (germline): Uncertain significance. Review status: criteria provided, multiple submitters, no conflicts (2 of 4 stars). 2 submissions from 2 submitters: Uncertain significance (2). Last evaluated 2025-10-06.

Conditions:
Encephalopathy, acute, infection-induced (herpes-specific), susceptibility to, 1. Also called: Herpes simplex encephalitis, susceptibility to, 1. Identifiers: Orphanet 1930, MedGen C2750180, MONDO:0024563, OMIM 610551.

Allele frequency attached by ClinVar (database versions not stated): TOPMed 0.00002; gnomAD 0.00001; gnomAD exomes 0.00001; ExAC 0.00002.

Submissions (2):

Labcorp Genetics (formerly Invitae), Labcorp
Classification: Uncertain significance for Encephalopathy, acute, infection-induced (herpes-specific), susceptibility to, 1. Last evaluated: 2025-10-06. Review status: criteria provided, single submitter. Criteria: Invitae Variant Classification Sherloc (09022015). Collection method: clinical testing. Allele origin: germline.
Comment: This sequence change replaces arginine, which is basic and polar, with glutamine, which is neutral and polar, at codon 885 of the TLR3 protein (p.Arg885Gln). The frequency data for this variant in the population databases is considered unreliable, as metrics indicate poor data quality at this position in the gnomAD database. This variant has not been reported in the literature in individuals affected with TLR3-related conditions. ClinVar contains an entry for this variant (Variation ID: 647522). An algorithm developed to predict the effect of missense changes on protein structure and function (PolyPhen-2) suggests that this variant is likely to be disruptive. In summary, the available evidence is currently insufficient to determine the role of this variant in disease. Therefore, it has been classified as a Variant of Uncertain Significance.

Ambry Genetics
Classification: Uncertain significance. Last evaluated: 2023-06-26. Review status: criteria provided, single submitter. Criteria: Ambry Variant Classification Scheme 2023. Collection method: clinical testing. Allele origin: germline.

NM_003265.3(TLR3):c.2654G>A (p.Arg885Gln)

Gene: TLR3 (toll like receptor 3; plus strand). Cytogenetic location: 4q35.1.
Variant type: single nucleotide variant.
Coding change: c.2654G>A on transcript NM_003265.3 (MANE Select); coding-DNA position 2654, G replaced by A.
Protein change: p.Arg885Gln; replaces arginine 885 with glutamine.
Molecular consequence: missense variant.
Genome position (GRCh38, 1-based): chr4:186,084,812, G>A. VCF-style: chr4-186084812-G-A. GRCh37 (hg19) VCF-style: chr4-187005966-G-A.
Other names: short protein forms R885Q.
Identifiers: ClinVar variation 647522 (VCV000647522.13), dbSNP rs759137034, ClinGen allele CA3161620.
Genomic context (GRCh38, chr4:186,084,812, plus strand): 5'-GTTTGCGAAGAGGAATGTTTAAATCTCACTGCATCTTGAACTGGCCAGTTCAGAAAGAAC[G>A]GATAGGTGCCTTTCGTCATAAATTGCAAGTAGCACTTGGATCCAAAAACTCTGTACATTA-3'
Protein context (NP_003256.1, residues 875-895): CILNWPVQKE[Arg885Gln]IGAFRHKLQV